The following is an entry in ClinVar:

ClinVar aggregate classification (germline): Uncertain significance. Review status: criteria provided, multiple submitters, no conflicts (2 of 4 stars). 2 submissions from 2 submitters: Uncertain significance (2). Last evaluated 2025-06-28.

Conditions:
Cardiovascular phenotype. Identifiers: MedGen CN230736.
Hereditary cancer-predisposing syndrome. Also called: Neoplastic Syndromes, Hereditary; Hereditary neoplastic syndrome; Hereditary Cancer Syndrome; Tumor predisposition. Identifiers: Orphanet 140162, MedGen C0027672, MeSH D009386, MONDO:0015356.
Neurofibromatosis, type 1 (NF1). Also called: VON RECKLINGHAUSEN DISEASE; NEUROFIBROMATOSIS, TYPE I, SOMATIC; Peripheral type neurofibromatosis; Neurofibromatosis, type I. Identifiers: Orphanet 636, MedGen C0027831, MONDO:0018975, OMIM 162200. Disease mechanism: loss of function.

Submissions (2):

Ambry Genetics
Classification: Uncertain significance for Cardiovascular phenotype; Hereditary cancer-predisposing syndrome. Last evaluated: 2025-06-28. Review status: criteria provided, single submitter. Criteria: Ambry Variant Classification Scheme 2023. Collection method: clinical testing. Allele origin: germline.
Comment: The p.Q2615P variant (also known as c.7844A>C), located in coding exon 53 of the NF1 gene, results from an A to C substitution at nucleotide position 7844. The glutamine at codon 2615 is replaced by proline, an amino acid with similar properties. This amino acid position is conserved. In addition, this alteration is predicted to be deleterious by in silico analysis. Based on the available evidence, the clinical significance of this variant remains unclear.

Labcorp Genetics (formerly Invitae), Labcorp
Classification: Uncertain significance for Neurofibromatosis, type 1. Last evaluated: 2018-12-24. Review status: criteria provided, single submitter. Criteria: Invitae Variant Classification Sherloc (09022015). Collection method: clinical testing. Allele origin: germline.
Comment: Algorithms developed to predict the effect of missense changes on protein structure and function are either unavailable or do not agree on the potential impact of this missense change (SIFT: "Tolerated"; PolyPhen-2: "Probably Damaging"; Align-GVGD: "Class C0"). In summary, the available evidence is currently insufficient to determine the role of this variant in disease. Therefore, it has been classified as a Variant of Uncertain Significance. This variant has not been reported in the literature in individuals with NF1-related conditions. This variant is not present in population databases (ExAC no frequency). This sequence change replaces glutamine with proline at codon 2615 of the NF1 protein (p.Gln2615Pro). The glutamine residue is moderately conserved and there is a moderate physicochemical difference between glutamine and proline.

NM_001042492.3(NF1):c.7907A>C (p.Gln2636Pro)

Gene: NF1 (neurofibromin 1; plus strand). Cytogenetic location: 17q11.2.
Variant type: single nucleotide variant.
Coding change: c.7907A>C on transcript NM_001042492.3 (MANE Select); coding-DNA position 7907, A replaced by C.
Protein change: p.Gln2636Pro; replaces glutamine 2636 with proline.
Molecular consequence: missense variant.
Genome position (GRCh38, 1-based): chr17:31,357,306, A>C. VCF-style: chr17-31357306-A-C. GRCh37 (hg19) VCF-style: chr17-29684324-A-C.
Other names: c.7844A>C, p.Gln2615Pro (NM_000267.4); short protein forms Q2615P, Q2636P.
Identifiers: ClinVar variation 658821 (VCV000658821.6), dbSNP rs1597866867, ClinGen allele CA399203433.
Genomic context (GRCh38, chr17:31,357,306, plus strand): 5'-TTTACTTTTTTGCATCTTGGCAGGCTACACTGGTAAAATATACCACAGATGAGTTTGATC[A>C]ACGAATTCTTTATGAATACTTAGCAGAGGCCAGTGTTGTGTTTCCCAAAGTCTTTCCTGT-3'
Protein context (NP_001035957.1, residues 2626-2646): LVKYTTDEFD[Gln2636Pro]RILYEYLAEA